The following is an entry in ClinVar:

NM_001134831.2(AHI1):c.3426+6T>A

Gene: AHI1 (Abelson helper integration site 1; minus strand). Cytogenetic location: 6q23.3.
Variant type: single nucleotide variant.
Coding change: c.3426+6T>A on transcript NM_001134831.2 (MANE Select); 6 bases into the intron after coding-DNA position 3426, T replaced by A.
Molecular consequence: intron variant.
Genome position (GRCh38, 1-based): chr6:135,318,513, A>T on the plus strand (T>A on the coding strand, the complement: AHI1 is on the minus strand). VCF-style: chr6-135318513-A-T. GRCh37 (hg19) VCF-style: chr6-135639651-A-T.
Other names: c.3426+6T>A (NM_001134830.2, NM_001350503.2, NM_017651.5 and 1 more transcripts).
Identifiers: ClinVar variation 1467693 (VCV001467693.5), dbSNP rs1267329906, ClinGen allele CA570705608.

ClinVar aggregate classification (germline): Uncertain significance. Review status: criteria provided, multiple submitters, no conflicts (2 of 4 stars). 3 submissions from 3 submitters: Uncertain significance (3). Last evaluated 2026-02-17.

Conditions:
Joubert syndrome. Also called: JOUBERT-BOLTSHAUSER SYNDROME; Familial aplasia of the vermis. Identifiers: Orphanet 475, MedGen C5979921, MONDO:0018772.
Joubert syndrome 3 (JBTS3). Also called: AHI1-related Ciliopathy. Identifiers: Orphanet 220493, MedGen C1837713, MONDO:0012078, OMIM 608629.

Allele frequency attached by ClinVar (database versions not stated): TOPMed below 0.00001; gnomAD exomes 0.00001.
gnomAD v4.1: 14 of 1,558,532 alleles (0.0009%); highest among the groups gnomAD compares: Non-Finnish European, 0.0011%; no homozygotes.

Submissions (3):

Women's Health and Genetics/Laboratory Corporation of America, LabCorp
Classification: Uncertain significance. Last evaluated: 2026-02-17. Review status: criteria provided, single submitter. Criteria: LabCorp Variant Classification Summary - May 2015. Collection method: clinical testing. Allele origin: germline.

Fulgent Genetics
Classification: Uncertain significance for Joubert syndrome 3. Last evaluated: 2022-05-11. Review status: criteria provided, single submitter. Criteria: ACMG Guidelines, 2015. Collection method: clinical testing. Allele origin: unknown.

Labcorp Genetics (formerly Invitae), Labcorp
Classification: Uncertain significance for Joubert syndrome. Last evaluated: 2021-10-31. Review status: criteria provided, single submitter. Criteria: Invitae Variant Classification Sherloc (09022015). Collection method: clinical testing. Allele origin: germline.
Comment: This sequence change falls in intron 25 of the AHI1 gene. It does not directly change the encoded amino acid sequence of the AHI1 protein. It affects a nucleotide within the consensus splice site. The frequency data for this variant in the population databases is considered unreliable, as metrics indicate poor data quality at this position in the gnomAD database. This variant has not been reported in the literature in individuals affected with AHI1-related conditions. Variants that disrupt the consensus splice site are a relatively common cause of aberrant splicing (PMID: 17576681, 9536098). Algorithms developed to predict the effect of sequence changes on RNA splicing suggest that this variant is not likely to affect RNA splicing. In summary, the available evidence is currently insufficient to determine the role of this variant in disease. Therefore, it has been classified as a Variant of Uncertain Significance.

Literature cited by the submitters: PubMed 17576681 (cited by Labcorp Genetics (formerly Invitae), Labcorp); PubMed 9536098 (cited by Labcorp Genetics (formerly Invitae), Labcorp).